The following is an entry in ClinVar:

NM_130468.4(CHST14):c.1019T>C (p.Leu340Ser)

Gene: CHST14 (carbohydrate sulfotransferase 14; plus strand). Cytogenetic location: 15q15.1.
Variant type: single nucleotide variant.
Coding change: c.1019T>C on transcript NM_130468.4 (MANE Select); coding-DNA position 1019, T replaced by C.
Protein change: p.Leu340Ser; replaces leucine 340 with serine.
Molecular consequence: missense variant.
Genome position (GRCh38, 1-based): chr15:40,472,232, T>C. VCF-style: chr15-40472232-T-C. GRCh37 (hg19) VCF-style: chr15-40764431-T-C.
Other names: short protein forms L340S.
Identifiers: ClinVar variation 1753860 (VCV001753860.2), dbSNP rs2543006699, ClinGen allele CA391768652.

ClinVar aggregate classification (germline): Uncertain significance (1 of 4 stars; one submission).

Conditions:
Cardiovascular phenotype. Identifiers: MedGen CN230736.

Submission:

Ambry Genetics
Classification: Uncertain significance for Cardiovascular phenotype. Last evaluated: 2022-01-19. Review status: criteria provided, single submitter. Criteria: Ambry Variant Classification Scheme 2023. Collection method: clinical testing. Allele origin: germline.
Comment: The p.L340S variant (also known as c.1019T>C), located in coding exon 1 of the CHST14 gene, results from a T to C substitution at nucleotide position 1019. The leucine at codon 340 is replaced by serine, an amino acid with dissimilar properties. This amino acid position is conserved. In addition, this alteration is predicted to be deleterious by in silico analysis. Since supporting evidence is limited at this time, the clinical significance of this alteration remains unclear.